The following is an entry in ClinVar:

ClinVar aggregate classification (germline): Uncertain significance (1 of 4 stars; one submission).

Allele frequency attached by ClinVar (database versions not stated): gnomAD exomes below 0.00001 and 0.00001; ExAC 0.00001.
gnomAD v4.1: 3 of 1,613,896 alleles (0.00019%); highest among the groups gnomAD compares: Admixed American, 0.0033%; no homozygotes.

Submission:

Labcorp Genetics (formerly Invitae), Labcorp
Classification: Uncertain significance. Last evaluated: 2025-07-10. Review status: criteria provided, single submitter. Criteria: Invitae Variant Classification Sherloc (09022015). Collection method: clinical testing. Allele origin: germline.
Comment: This sequence change replaces glutamine, which is neutral and polar, with proline, which is neutral and non-polar, at codon 1639 of the FRAS1 protein (p.Gln1639Pro). This variant is present in population databases (rs763914219, gnomAD 0.006%). This variant has not been reported in the literature in individuals affected with FRAS1-related conditions. ClinVar contains an entry for this variant (Variation ID: 1370873). Invitae Evidence Modeling of protein sequence and biophysical properties (such as structural, functional, and spatial information, amino acid conservation, physicochemical variation, residue mobility, and thermodynamic stability) indicates that this missense variant is not expected to disrupt FRAS1 protein function with a negative predictive value of 80%. In summary, the available evidence is currently insufficient to determine the role of this variant in disease. Therefore, it has been classified as a Variant of Uncertain Significance.

NM_025074.7(FRAS1):c.4916A>C (p.Gln1639Pro)

Gene: FRAS1 (Fraser extracellular matrix complex subunit 1; plus strand). Cytogenetic location: 4q21.21.
Variant type: single nucleotide variant.
Coding change: c.4916A>C on transcript NM_025074.7 (MANE Select); coding-DNA position 4916, A replaced by C.
Protein change: p.Gln1639Pro; replaces glutamine 1639 with proline.
Molecular consequence: missense variant.
Genome position (GRCh38, 1-based): chr4:78,430,364, A>C. VCF-style: chr4-78430364-A-C. GRCh37 (hg19) VCF-style: chr4-79351518-A-C.
Other names: c.4916A>C, p.Gln1639Pro (NM_001166133.2); short protein forms Q1639P.
Identifiers: ClinVar variation 1370873 (VCV001370873.6), dbSNP rs763914219, ClinGen allele CA2977365.